The following is an entry in ClinVar:

ClinVar aggregate classification (germline): Uncertain significance (1 of 4 stars; one submission).

Conditions:
Facioscapulohumeral muscular dystrophy 2 (FSHD2). Also called: FACIOSCAPULOHUMERAL MUSCULAR DYSTROPHY 2, DIGENIC; FSHD2, DIGENIC; MUSCULAR DYSTROPHY, FACIOSCAPULOHUMERAL, TYPE 1B. Identifiers: Orphanet 269, MedGen C1834671, MONDO:0008031, OMIM 158901.

Submission:

Labcorp Genetics (formerly Invitae), Labcorp
Classification: Uncertain significance for Facioscapulohumeral muscular dystrophy 2. Last evaluated: 2021-10-05. Review status: criteria provided, single submitter. Criteria: Invitae Variant Classification Sherloc (09022015). Collection method: clinical testing. Allele origin: germline.
Comment: This variant has not been reported in the literature in individuals affected with SMCHD1-related conditions. This variant is not present in population databases (ExAC no frequency). This sequence change replaces glycine with tryptophan at codon 384 of the SMCHD1 protein (p.Gly384Trp). The glycine residue is highly conserved and there is a large physicochemical difference between glycine and tryptophan. In summary, the available evidence is currently insufficient to determine the role of this variant in disease. Therefore, it has been classified as a Variant of Uncertain Significance. Algorithms developed to predict the effect of missense changes on protein structure and function are either unavailable or do not agree on the potential impact of this missense change (SIFT: "Deleterious"; PolyPhen-2: "Probably Damaging"; Align-GVGD: "Class C0").

NM_015295.3(SMCHD1):c.1150G>T (p.Gly384Trp)

Gene: SMCHD1 (structural maintenance of chromosomes flexible hinge domain containing 1; plus strand). Cytogenetic location: 18p11.32.
Variant type: single nucleotide variant.
Coding change: c.1150G>T on transcript NM_015295.3 (MANE Select); coding-DNA position 1150, G replaced by T.
Protein change: p.Gly384Trp; replaces glycine 384 with tryptophan.
Molecular consequence: missense variant.
Genome position (GRCh38, 1-based): chr18:2,697,849, G>T. VCF-style: chr18-2697849-G-T. GRCh37 (hg19) VCF-style: chr18-2697847-G-T.
Other names: short protein forms G384W.
Identifiers: ClinVar variation 1419137 (VCV001419137.6), dbSNP rs2143153711, ClinGen allele CA401696880.
Genomic context (GRCh38, chr18:2,697,849, plus strand): 5'-TTACCATAGAATTTAATTATTTTTGTTTCCTTTTTATTTTAGATTTCTATGTTTGAAAAA[G>T]GGAAGGTACCTAAGATTGTCAACCTAAGGGAAATACAAGACGACATGCAGACGTTGTATG-3'
Protein context (NP_056110.2, residues 374-394): IDIEISMFEK[Gly384Trp]KVPKIVNLRE